The following is an entry in ClinVar:

ClinVar aggregate classification (germline): Uncertain significance (1 of 4 stars; one submission).

Conditions:
Seckel syndrome 6 (SCKL6). Identifiers: MedGen C3553582, MONDO:0013871, OMIM 614728.

Submission:

Neuberg Centre For Genomic Medicine, NCGM
Classification: Uncertain significance for Seckel syndrome 6. Last evaluated: 2024-02-01. Review status: criteria provided, single submitter. Criteria: ACMG Guidelines, 2015. Collection method: clinical testing. Allele origin: germline. Inheritance: Autosomal recessive inheritance.
Comment: The missense variant c.2119G>C(p.Gly707Arg) in the HADHA gene has not been reported previously as a pathogenic variant nor as a benign variant, to our knowledge. This variant is absent in gnomAD Exomes. Multiple lines of computational evidence (Polyphen - Probably Damaging, SIFT - Damaging and MutationTaster - Disease causing) predict damaging effect on protein structure and function for this variant. The reference amino acid at this position on the HADHA gene is predicted as conserved by GERP++ and PhyloP across 100 vertebrates. The amino acid Gly at position 707 is changed to a Arg changing protein sequence and it might alter its composition and physico-chemical properties. An independent literature review was performed and there are no individuals reported with the HADHA variant Hence based on ACMG guidelines it has been classified as Uncertain Signfiicance..

NM_000182.5(HADHA):c.2119G>C (p.Gly707Arg)

Genes: GAREM2 (GRB2 associated regulator of MAPK1 subtype 2; plus strand), HADHA (hydroxyacyl-CoA dehydrogenase trifunctional multienzyme complex subunit alpha; minus strand). Cytogenetic location: 2p23.3.
Variant type: single nucleotide variant.
Coding change: c.2119G>C on transcript NM_000182.5 (MANE Select); coding-DNA position 2119, G replaced by C.
Protein change: p.Gly707Arg; replaces glycine 707 with arginine.
Molecular consequence: missense variant.
Genome position (GRCh38, 1-based): chr2:26,191,510, C>G on the plus strand (G>C on the coding strand, the complement: HADHA is on the minus strand). VCF-style: chr2-26191510-C-G. GRCh37 (hg19) VCF-style: chr2-26414379-C-G.
Other names: short protein forms G707R.
Identifiers: ClinVar variation 3898046 (VCV003898046.1).